The following is an entry in ClinVar:

NM_001040142.2(SCN2A):c.3320T>C (p.Ile1107Thr)

Gene: SCN2A (sodium voltage-gated channel alpha subunit 2; plus strand). Cytogenetic location: 2q24.3.
Variant type: single nucleotide variant.
Coding change: c.3320T>C on transcript NM_001040142.2 (MANE Select); coding-DNA position 3320, T replaced by C.
Protein change: p.Ile1107Thr; replaces isoleucine 1107 with threonine.
Molecular consequence: missense variant.
Genome position (GRCh38, 1-based): chr2:165,354,592, T>C. VCF-style: chr2-165354592-T-C. GRCh37 (hg19) VCF-style: chr2-166211102-T-C.
Other names: c.3320T>C, p.Ile1107Thr (NM_001040143.2, NM_001371246.1, NM_001371247.1 and 1 more transcripts); short protein forms I1107T.
Identifiers: ClinVar variation 2923830 (VCV002923830.3), dbSNP rs2468036750, ClinGen allele CA349021870.

ClinVar aggregate classification (germline): Uncertain significance (1 of 4 stars; one submission).

Conditions:
Developmental and epileptic encephalopathy, 11 (DEE11). Also called: Early infantile epileptic encephalopathy 11. Identifiers: Orphanet 1934, MedGen C3150987, MONDO:0013388, OMIM 613721.
Seizures, benign familial infantile, 3 (BFIS3). Also called: CONVULSIONS, BENIGN FAMILIAL INFANTILE, 3; Familial neonatal seizures. Identifiers: Orphanet 140927, Orphanet 306, MedGen C1843140, MONDO:0011904, OMIM 607745.

Submission:

Labcorp Genetics (formerly Invitae), Labcorp
Classification: Uncertain significance for Seizures, benign familial infantile, 3; Developmental and epileptic encephalopathy, 11. Last evaluated: 2024-12-19. Review status: criteria provided, single submitter. Criteria: Invitae Variant Classification Sherloc (09022015). Collection method: clinical testing. Allele origin: germline.
Comment: This sequence change replaces isoleucine, which is neutral and non-polar, with threonine, which is neutral and polar, at codon 1107 of the SCN2A protein (p.Ile1107Thr). This variant is not present in population databases (gnomAD no frequency). This variant has not been reported in the literature in individuals affected with SCN2A-related conditions. ClinVar contains an entry for this variant (Variation ID: 2923830). Invitae Evidence Modeling of protein sequence and biophysical properties (such as structural, functional, and spatial information, amino acid conservation, physicochemical variation, residue mobility, and thermodynamic stability) indicates that this missense variant is expected to disrupt SCN2A protein function with a positive predictive value of 95%. In summary, the available evidence is currently insufficient to determine the role of this variant in disease. Therefore, it has been classified as a Variant of Uncertain Significance.